The following is an entry in ClinVar:

NM_023110.3(FGFR1):c.621+5G>A

Gene: FGFR1 (fibroblast growth factor receptor 1; minus strand). Cytogenetic location: 8p11.23.
Variant type: single nucleotide variant.
Coding change: c.621+5G>A on transcript NM_023110.3 (MANE Select); 5 bases into the intron after coding-DNA position 621, G replaced by A.
Molecular consequence: intron variant.
Genome position (GRCh38, 1-based): chr8:38,427,916, C>T on the plus strand (G>A on the coding strand, the complement: FGFR1 is on the minus strand). VCF-style: chr8-38427916-C-T. GRCh37 (hg19) VCF-style: chr8-38285434-C-T.
Other names: c.621+5G>A (NM_001174063.2); c.597+5G>A (NM_001174064.2); c.354+5G>A (NM_001174066.2, NM_023105.3); c.615+5G>A (NM_001354369.2, NM_001174065.2, NM_001354367.2 and 1 more transcripts); c.714+5G>A (NM_001174067.2); c.348+5G>A (NM_001354368.2, NM_001354370.2, NM_023106.3).
Identifiers: ClinVar variation 1896574 (VCV001896574.5), dbSNP rs749785341, ClinGen allele CA4718703.
Genomic context (GRCh38, chr8:38,427,916, plus strand): 5'-CAGGACTTCCTAACTCGGCCTCCCCTGTTCCCATTACTCTAACTTTCGCATGCACACACA[C>T]GTACCTTGTAGCCTCCAATTCTGTGGTCAGGTTTGAATTCTTTGCCATTTTTCAACCAGC-3'

ClinVar aggregate classification (germline): Uncertain significance (1 of 4 stars; one submission).

Conditions:
Pfeiffer syndrome (ACS5). Also called: ACS V. Identifiers: Orphanet 710, MedGen C0220658, MONDO:0007043, OMIM 101600.
Hypogonadotropic hypogonadism 2 with or without anosmia (HH2). Also called: FGFR1-Related GnRH Deficiency (Kallmann Syndrome 2); HYPOGONADOTROPIC HYPOGONADISM 2 WITHOUT ANOSMIA; HYPOGONADOTROPIC HYPOGONADISM 2 WITH OR WITHOUT ANOSMIA, SUSCEPTIBILITY TO; HYPOGONADOTROPIC HYPOGONADISM 2 WITHOUT ANOSMIA, SUSCEPTIBILITY TO. Identifiers: Orphanet 478, MedGen C1563720, MONDO:0007844, OMIM 147950. Disease mechanism: loss of function.

Allele frequency attached by ClinVar (database versions not stated): ExAC 0.00001; gnomAD 0.00002; TOPMed 0.00002; gnomAD exomes 0.00003.
gnomAD v4.1: 43 of 1,614,140 alleles (0.0027%); highest among the groups gnomAD compares: Non-Finnish European, 0.0035%; no homozygotes.

Submission:

Labcorp Genetics (formerly Invitae), Labcorp
Classification: Uncertain significance for Pfeiffer syndrome; Hypogonadotropic hypogonadism 2 with or without anosmia. Last evaluated: 2022-06-23. Review status: criteria provided, single submitter. Criteria: Invitae Variant Classification Sherloc (09022015). Collection method: clinical testing. Allele origin: germline.
Comment: This variant has not been reported in the literature in individuals affected with FGFR1-related conditions. This variant is present in population databases (rs749785341, gnomAD 0.005%). This sequence change falls in intron 5 of the FGFR1 gene. It does not directly change the encoded amino acid sequence of the FGFR1 protein. It affects a nucleotide within the consensus splice site. In summary, the available evidence is currently insufficient to determine the role of this variant in disease. Therefore, it has been classified as a Variant of Uncertain Significance. Variants that disrupt the consensus splice site are a relatively common cause of aberrant splicing (PMID: 17576681, 9536098). Algorithms developed to predict the effect of sequence changes on RNA splicing suggest that this variant is not likely to affect RNA splicing.

Literature cited by the submitters: PubMed 17576681; PubMed 9536098.